The following is an entry in ClinVar:

Single allele

Genes: UNC5C (unc-5 netrin receptor C; minus strand), BMPR1B (bone morphogenetic protein receptor type 1B; plus strand), PDLIM5 (PDZ and LIM domain 5; plus strand). Cytogenetic location: 4q22.3.
Variant type: Duplication.
Identifiers: ClinVar variation 560046 (VCV000560046.3).

ClinVar aggregate classification (germline): Likely benign (1 of 4 stars; one submission).

Submission:

Geisinger Autism and Developmental Medicine Institute, Geisinger Health System
Classification: Likely benign. Last evaluated: 2018-02-05. Review status: criteria provided, single submitter. Criteria: ACMG CNV Guidelines, 2011. Collection method: provider interpretation. Allele origin: paternal.